The following is an entry in ClinVar:

NM_000432.4(MYL2):c.205A>C (p.Met69Leu)

Gene: MYL2 (myosin light chain 2; minus strand). Cytogenetic location: 12q24.11.
Variant type: single nucleotide variant.
Coding change: c.205A>C on transcript NM_000432.4 (MANE Select); coding-DNA position 205, A replaced by C.
Protein change: p.Met69Leu; replaces methionine 69 with leucine.
Molecular consequence: missense variant.
Genome position (GRCh38, 1-based): chr12:110,914,255, T>G on the plus strand (A>C on the coding strand, the complement: MYL2 is on the minus strand). VCF-style: chr12-110914255-T-G. GRCh37 (hg19) VCF-style: chr12-111352059-T-G.
Other names: short protein forms M69L.
Identifiers: ClinVar variation 1699424 (VCV001699424.3), dbSNP rs2136772287, ClinGen allele CA386698791.

ClinVar aggregate classification (germline): Uncertain significance (1 of 4 stars; one submission).

Conditions:
Hypertrophic cardiomyopathy 10. Also called: CARDIOMYOPATHY, HYPERTROPHIC, MID-LEFT VENTRICULAR CHAMBER TYPE, 2; MYL2-Related Familial Hypertrophic Cardiomyopathy. Identifiers: MedGen C1834460, MONDO:0012112, OMIM 608758.

Submission:

Victorian Clinical Genetics Services, Murdoch Childrens Research Institute
Classification: Uncertain significance for Hypertrophic cardiomyopathy 10. Last evaluated: 2022-02-02. Review status: criteria provided, single submitter. Criteria: ACMG Guidelines, 2015. Collection method: clinical testing. Allele origin: germline. Inheritance: Autosomal dominant inheritance. Affected: yes.
Comment: Based on the classification scheme VCGS_Germline_v1.3.4, this variant is classified as VUS-3A. Following criteria are met: 0105 - The mechanism of disease for this gene is not clearly established. (I) 0107 - This gene is associated with autosomal dominant disease. (I) 0112 - The condition associated with this gene has incomplete penetrance (GeneReviews). (I) 0200 - Variant is predicted to result in a missense amino acid change from methionine to leucine. (I) 0251 - This variant is heterozygous. (I) 0301 - Variant is absent from gnomAD (both v2 and v3). (SP) 0309 - Alternative amino acid changes at the same position have been observed in gnomAD (v3) (1 heterozygote, 0 homozygotes). (I) 0502 - Missense variant with conflicting in silico predictions and uninformative conservation. (I) 0604 - Variant is not located in an established domain, motif, hotspot or informative constraint region. (I) 0708 - Other missense variants comparable to the one identified in this case have conflicting previous evidence for pathogenicity. The p.(Met69Ile) variant has been reported in a homozygous state in an individual with HCM and heart failure (PMID: 25132132), and the p.(Met69Thr) variant has been reported in heterozygous state in an individual with HCM (PMID: 27600940). However, both variants have VUS entries in ClinVar. (I) 0807 - This variant has no previous evidence of pathogenicity. (I) 0905 - No published segregation evidence has been identified for this variant. (I) 1007 - No published functional evidence has been identified for this variant. (I) 1208 - Inheritance information for this variant is not currently available in this individual. (I) Legend: (SP) - Supporting pathogenic, (I) - Information, (SB) - Supporting benign

Literature cited by the submitters: PubMed 25132132; PubMed 27600940.